The following is an entry in ClinVar:

NM_025114.4(CEP290):c.3316A>G (p.Lys1106Glu)

Gene: CEP290 (centrosomal protein 290; minus strand). Cytogenetic location: 12q21.32.
Variant type: single nucleotide variant.
Coding change: c.3316A>G on transcript NM_025114.4 (MANE Select); coding-DNA position 3316, A replaced by G.
Protein change: p.Lys1106Glu; replaces lysine 1106 with glutamic acid.
Molecular consequence: missense variant.
Genome position (GRCh38, 1-based): chr12:88,092,826, T>C on the plus strand (A>G on the coding strand, the complement: CEP290 is on the minus strand). VCF-style: chr12-88092826-T-C. GRCh37 (hg19) VCF-style: chr12-88486603-T-C.
Other names: short protein forms K1106E.
Identifiers: ClinVar variation 4999971 (VCV004999971.1).

ClinVar aggregate classification (germline): Uncertain significance (1 of 4 stars; one submission).

Conditions:
CEP290-related disorder. Also called: CEP290-related disorders; CEP290-related condition. Identifiers: MedGen CN239314.

gnomAD v4.1: 4 of 1,609,680 alleles (0.00025%); highest among the groups gnomAD compares: Non-Finnish European, 0.00034%; no homozygotes.

Submission:

PreventionGenetics, part of Exact Sciences
Classification: Uncertain significance for CEP290-related condition. Last evaluated: 2025-06-26. Review status: criteria provided, single submitter. Criteria: ACMG Guidelines, 2015. Collection method: clinical testing. Allele origin: germline.
Comment: The CEP290 c.3316A>G variant is predicted to result in the amino acid substitution p.Lys1106Glu. To our knowledge, this variant has not been reported in the literature or in a large population database (gnomAD), indicating this variant is rare. At this time, the clinical significance of this variant is uncertain due to the absence of conclusive functional and genetic evidence.